The following is an entry in ClinVar:

ClinVar aggregate classification (germline): Uncertain significance (1 of 4 stars; one submission).

Conditions:
Combined immunodeficiency due to LRBA deficiency. Also called: Common variable immunodeficiency 8, with autoimmunity. Identifiers: Orphanet 445018, MedGen C3553512, MONDO:0013863, OMIM 614700.

Allele frequency attached by ClinVar (database versions not stated): gnomAD exomes 0.00001.
gnomAD v4.1: 3 of 1,612,700 alleles (0.00019%); highest among the groups gnomAD compares: East Asian, 0.0067%; no homozygotes.

Submission:

Labcorp Genetics (formerly Invitae), Labcorp
Classification: Uncertain significance for Combined immunodeficiency due to LRBA deficiency. Last evaluated: 2021-04-14. Review status: criteria provided, single submitter. Criteria: Invitae Variant Classification Sherloc (09022015). Collection method: clinical testing. Allele origin: germline.
Comment: This sequence change replaces serine with phenylalanine at codon 2102 of the LRBA protein (p.Ser2102Phe). The serine residue is weakly conserved and there is a large physicochemical difference between serine and phenylalanine. This variant is not present in population databases (ExAC no frequency). This variant has not been reported in the literature in individuals with LRBA-related conditions. Algorithms developed to predict the effect of missense changes on protein structure and function are either unavailable or do not agree on the potential impact of this missense change (SIFT: "Deleterious"; PolyPhen-2: "Benign"; Align-GVGD: "Class C0"). In summary, the available evidence is currently insufficient to determine the role of this variant in disease. Therefore, it has been classified as a Variant of Uncertain Significance.

NM_001364905.1(LRBA):c.6272C>T (p.Ser2091Phe)

Gene: LRBA (LPS responsive beige-like anchor protein; minus strand). Cytogenetic location: 4q31.3.
Variant type: single nucleotide variant.
Coding change: c.6272C>T on transcript NM_001364905.1 (MANE Select); coding-DNA position 6272, C replaced by T.
Protein change: p.Ser2091Phe; replaces serine 2091 with phenylalanine.
Molecular consequence: missense variant.
Genome position (GRCh38, 1-based): chr4:150,588,106, G>A on the plus strand (C>T on the coding strand, the complement: LRBA is on the minus strand). VCF-style: chr4-150588106-G-A. GRCh37 (hg19) VCF-style: chr4-151509258-G-A.
Other names: c.6272C>T, p.Ser2091Phe (NM_001199282.3, NM_001367550.1); c.6305C>T, p.Ser2102Phe (NM_006726.5); short protein forms S2102F, S2091F.
Identifiers: ClinVar variation 1460870 (VCV001460870.7), dbSNP rs1772344628, ClinGen allele CA358604958.
Genomic context (GRCh38, chr4:150,588,106, plus strand): 5'-ACCTTGGGGTCGATTTTTTTGAAGTTAGGATCCTCTTCATCCACCTCAAAATAGAGTTCG[G>A]AGGAGGTGACAGAAAGAGTGCCCTTTACTACAACAGAGGGGGCCACAAGCTGAGCTGGTG-3'
Protein context (NP_001351834.1, residues 2081-2101): VVKGTLSVTS[Ser2091Phe]ELYFEVDEED